The following is an entry in ClinVar:

ClinVar aggregate classification (germline): Conflicting classifications of pathogenicity. Review status: criteria provided, conflicting classifications (1 of 4 stars). 7 submissions from 7 submitters: Pathogenic (1); Likely pathogenic (4); Uncertain significance (1). 1 of the submissions does not count toward it. Last evaluated 2026-04-10.

Conditions:
PEX1-related disorder. Also called: PEX1-related condition.
Zellweger spectrum disorders (ZS). Also called: Zellweger Spectrum Disorder; Zellweger Spectrum; Zellweger syndrome; Zellweger Spectrum Disorder (ZSD). Identifiers: Orphanet 912, MedGen C0043459, MONDO:0019609.
Peroxisome biogenesis disorder 1A (Zellweger) (PBD1A). Also called: Zellweger leukodystrophy; Peroxisome biogenesis disorder 1a. Identifiers: MedGen C4721541, MONDO:0008953, OMIM 214100.
Heimler syndrome 1 (HMLR1). Also called: PEROXISOME BIOGENESIS DISORDER 1C. Identifiers: Orphanet 3220, MedGen C4551980, OMIM 234580, MONDO:0024544.
Peroxisome biogenesis disorder 1B (PBD1B). Also called: PEROXISOME BIOGENESIS DISORDER (NALD/IRD); ADRENOLEUKODYSTROPHY, AUTOSOMAL NEONATAL; Refsum disease, infantile form; Infantile Refsum disease; Infantile form of phytanic acid storage disease; PEROXISOME BIOGENESIS DISORDER (NEONATAL ADRENOLEUKODYSTROPHY/INFANTILE REFSUM DISEASE). Identifiers: Orphanet 44, MedGen C0282527, MONDO:0011101, OMIM 601539.
Peroxisome biogenesis disorder. Identifiers: Orphanet 79189, MedGen C1832200, MONDO:0019234. Disease mechanism: loss of function.

gnomAD v4.1: 15 of 1,613,854 alleles (0.00093%); highest among the groups gnomAD compares: Non-Finnish European, 0.0012%; no homozygotes.

Submissions (7):

Myriad Genetics, Inc.
Classification: Uncertain significance for Peroxisome biogenesis disorder. Last evaluated: 2026-04-10. Review status: criteria provided, single submitter. Criteria: Myriad Autosomal Dominant, Autosomal Recessive and X-Linked Classification Criteria (2023). Collection method: clinical testing. Allele origin: unknown.
Comment: NM_000466.2(PEX1):c.1742G>C(R581P) is a missense variant classified as a variant of uncertain significance in the context of peroxisome biogenesis disorder type 1. R581P has been observed in cases with relevant disease (PMID: 26387595). Relevant functional assessments of this variant are not available in the literature. R581P has been observed in referenced population frequency databases. In summary, there is insufficient evidence to classify NM_000466.2(PEX1):c.1742G>C(R581P) as pathogenic or benign. Please note: this variant was assessed in the context of healthy population screening.

Natera, Inc.
Classification: Likely pathogenic for Zellweger syndrome. Last evaluated: 2025-03-18. Review status: criteria provided, single submitter. Criteria: Natera Variant Classification Schema (03/2026). Collection method: clinical testing. Allele origin: germline.
Comment: The c.1742G>C variant in PEX1 is a missense variant predicted to cause substitution of arginine to proline at amino acid 581. This variant is rare in the general population with a frequency below the threshold expected for the associated phenotype(s). This variant has been observed in one or more individuals affected with the associated recessive disease, as either homozygous or compound heterozygous with a second variant (PMID: 26387595). Functional studies show that this variant may disrupt protein function (PMID: 26387595). Computational prediction algorithms indicate this variant is likely to affect gene or protein function. Given the available evidence, this variant is classified as Likely Pathogenic.

Fulgent Genetics
Classification: Likely pathogenic for Peroxisome biogenesis disorder 1A (Zellweger); Heimler syndrome 1; Peroxisome biogenesis disorder 1B. Last evaluated: 2024-03-19. Review status: criteria provided, single submitter. Criteria: ACMG Guidelines, 2015. Collection method: clinical testing. Allele origin: germline.

Baylor Genetics
Classification: Likely pathogenic for Heimler syndrome 1. Last evaluated: 2023-08-14. Review status: criteria provided, single submitter. Criteria: ACMG Guidelines, 2015. Collection method: clinical testing. Allele origin: unknown.

Labcorp Genetics (formerly Invitae), Labcorp
Classification: Likely pathogenic for Zellweger spectrum disorders. Last evaluated: 2022-03-08. Review status: criteria provided, single submitter. Criteria: Invitae Variant Classification Sherloc (09022015). Collection method: clinical testing. Allele origin: germline.
Comment: In summary, the currently available evidence indicates that the variant is pathogenic, but additional data are needed to prove that conclusively. Therefore, this variant has been classified as Likely Pathogenic. Algorithms developed to predict the effect of missense changes on protein structure and function are either unavailable or do not agree on the potential impact of this missense change (SIFT: "Deleterious"; PolyPhen-2: "Probably Damaging"; Align-GVGD: "Class C0"). This sequence change replaces arginine, which is basic and polar, with proline, which is neutral and non-polar, at codon 581 of the PEX1 protein (p.Arg581Pro). This variant is present in population databases (rs370483961, gnomAD 0.0009%). This missense change has been observed in individual(s) with a peroxisomal biogenesis disorder, Zellweger syndrome spectrum (PMID: 26387595). In at least one individual the data is consistent with being in trans (on the opposite chromosome) from a pathogenic variant. ClinVar contains an entry for this variant (Variation ID: 217429).

Blueprint Genetics
Classification: Pathogenic for PEX1-related disorders. Last evaluated: 2021-03-08. Review status: criteria provided, single submitter. Criteria: ACMG Guidelines, 2015. Collection method: clinical testing. Allele origin: germline. Affected: yes. Observed: 3 variant alleles.

OMIM
Classification: Pathogenic for HEIMLER SYNDROME 1. Last evaluated: 2015-10-01. Review status: no assertion criteria provided. Collection method: literature only. Allele origin: germline. Not counted in ClinVar's aggregate classification.

Literature cited by the submitters: PubMed 26387595 (cited by 4 submitters).

NM_000466.3(PEX1):c.1742G>C (p.Arg581Pro)

Gene: PEX1 (peroxisomal biogenesis factor 1; minus strand). Cytogenetic location: 7q21.2.
Variant type: single nucleotide variant.
Coding change: c.1742G>C on transcript NM_000466.3 (MANE Select); coding-DNA position 1742, G replaced by C.
Protein change: p.Arg581Pro; replaces arginine 581 with proline.
Molecular consequence: missense variant.
Genome position (GRCh38, 1-based): chr7:92,507,055, C>G on the plus strand (G>C on the coding strand, the complement: PEX1 is on the minus strand). VCF-style: chr7-92507055-C-G. GRCh37 (hg19) VCF-style: chr7-92136369-C-G.
Other names: c.1742G>C, p.Arg581Pro (NM_001282677.2); c.1118G>C, p.Arg373Pro (NM_001282678.2); short protein forms R581P, R373P.
Identifiers: ClinVar variation 217429 (VCV000217429.21), dbSNP rs370483961, ClinGen allele CA210119.